The following is an entry in ClinVar:

NM_002206.3(ITGA7):c.793T>C (p.Phe265Leu)

Gene: ITGA7 (integrin subunit alpha 7; minus strand). Cytogenetic location: 12q13.2.
Variant type: single nucleotide variant.
Coding change: c.793T>C on transcript NM_002206.3 (MANE Select); coding-DNA position 793, T replaced by C.
Protein change: p.Phe265Leu; replaces phenylalanine 265 with leucine.
Molecular consequence: missense variant. On other transcripts: 5 prime UTR variant (1).
Genome position (GRCh38, 1-based): chr12:55,698,915, A>G on the plus strand (T>C on the coding strand, the complement: ITGA7 is on the minus strand). VCF-style: chr12-55698915-A-G. GRCh37 (hg19) VCF-style: chr12-56092699-A-G.
Other names: c.805T>C, p.Phe269Leu (NM_001144996.2, NM_001414029.1, NM_001414030.1); c.514T>C, p.Phe172Leu (NM_001144997.2); c.466T>C, p.Phe156Leu (NM_001367993.1); c.-500T>C (NM_001367994.1); c.793T>C, p.Phe265Leu (NM_001374465.1, NM_001414031.1, NM_001414034.1); c.925T>C, p.Phe309Leu (NM_001410977.1); c.673T>C, p.Phe225Leu (NM_001414032.1); c.610T>C, p.Phe204Leu (NM_001414033.1); and 1 more; short protein forms F156L, F172L, F265L, F269L, F309L, F152L, F204L, F225L.
Identifiers: ClinVar variation 1419670 (VCV001419670.8), dbSNP rs2136037935, ClinGen allele CA385191100.
Genomic context (GRCh38, chr12:55,698,915, plus strand): 5'-CTCCAGCCACAAAGCTCAGCTCTTCTGCACGCACCAGACCTTTCCCCGAGTCAATAGAGA[A>G]GCCTGGGGGAAGGGTGACTTACCCCTAAGTCTTCACCCCAAGACTCAGAAGCTGGGGTGT-3'
Protein context (NP_002197.2, residues 255-275): GDLALNSYLG[Phe265Leu]SIDSGKGLVR

ClinVar aggregate classification (germline): Uncertain significance (1 of 4 stars; one submission).

Conditions:
Congenital muscular dystrophy due to integrin alpha-7 deficiency. Also called: Congenital muscular dystrophy with integrin alpha-7 deficiency; Muscular dystrophy, congenital, due to ITGA7 deficiency; MYOPATHY, CONGENITAL, DUE TO INTEGRIN ALPHA-7 DEFICIENCY. Identifiers: Orphanet 34520, MedGen C2750786, MONDO:0013177, OMIM 613204.

Submission:

Labcorp Genetics (formerly Invitae), Labcorp
Classification: Uncertain significance for Congenital muscular dystrophy due to integrin alpha-7 deficiency. Last evaluated: 2022-06-09. Review status: criteria provided, single submitter. Criteria: Invitae Variant Classification Sherloc (09022015). Collection method: clinical testing. Allele origin: germline.
Comment: This variant is not present in population databases (gnomAD no frequency). In summary, the available evidence is currently insufficient to determine the role of this variant in disease. Therefore, it has been classified as a Variant of Uncertain Significance. Algorithms developed to predict the effect of missense changes on protein structure and function (SIFT, PolyPhen-2, Align-GVGD) all suggest that this variant is likely to be tolerated. This variant has not been reported in the literature in individuals affected with ITGA7-related conditions. This sequence change replaces phenylalanine, which is neutral and non-polar, with leucine, which is neutral and non-polar, at codon 265 of the ITGA7 protein (p.Phe265Leu).